The following is an entry in ClinVar:

ClinVar aggregate classification (germline): Uncertain significance (1 of 4 stars; one submission).

Conditions:
Familial adenomatous polyposis 2. Also called: FAP type 2; Adenomas, multiple colorectal; MUTYH-associated polyposis; MUTYH-related attenuated familial adenomatous polyposis; MYH-associated polyposis; COLORECTAL ADENOMATOUS POLYPOSIS, AUTOSOMAL RECESSIVE. Identifiers: Orphanet 220460, Orphanet 247798, MedGen C3272841, MONDO:0012041, OMIM 608456.

Allele frequency attached by ClinVar (database versions not stated): gnomAD exomes below 0.00001.
gnomAD v4.1: 1 of 1,614,226 alleles (0.000062%); highest among the groups gnomAD compares: African/African-American, 0.0013%; no homozygotes.

Submission:

Labcorp Genetics (formerly Invitae), Labcorp
Classification: Uncertain significance for Familial adenomatous polyposis 2. Last evaluated: 2022-06-24. Review status: criteria provided, single submitter. Criteria: Invitae Variant Classification Sherloc (09022015). Collection method: clinical testing. Allele origin: germline.
Comment: Variants that disrupt the consensus splice site are a relatively common cause of aberrant splicing (PMID: 17576681, 9536098). Algorithms developed to predict the effect of sequence changes on RNA splicing suggest that this variant may disrupt the consensus splice site. In summary, the available evidence is currently insufficient to determine the role of this variant in disease. Therefore, it has been classified as a Variant of Uncertain Significance. This sequence change falls in intron 4 of the MUTYH gene. It does not directly change the encoded amino acid sequence of the MUTYH protein. It affects a nucleotide within the consensus splice site. This variant is not present in population databases (gnomAD no frequency). This variant has not been reported in the literature in individuals affected with MUTYH-related conditions.

Literature cited by the submitters: PubMed 17576681; PubMed 9536098.

NM_001048174.2(MUTYH):c.304+4A>T

Gene: MUTYH (mutY DNA glycosylase; minus strand). Cytogenetic location: 1p34.1.
Variant type: single nucleotide variant.
Coding change: c.304+4A>T on transcript NM_001048174.2 (MANE Select); 4 bases into the intron after coding-DNA position 304, A replaced by T.
Molecular consequence: intron variant.
Genome position (GRCh38, 1-based): chr1:45,333,281, T>A on the plus strand (A>T on the coding strand, the complement: MUTYH is on the minus strand). VCF-style: chr1-45333281-T-A. GRCh37 (hg19) VCF-style: chr1-45798953-T-A.
Other names: c.33+4A>T (NM_001350651.2, NM_001350650.2); c.28+4A>T (NM_001293192.2, NM_001293196.2); c.304+4A>T (NM_001048171.2, NM_001048173.2, NM_001293195.2); c.349+4A>T (NM_001293190.2); c.379+4A>T (NM_012222.3); c.388+4A>T (NM_001128425.2); c.307+4A>T (NM_001048172.2); c.337+4A>T (NM_001293191.2).
Identifiers: ClinVar variation 2159889 (VCV002159889.4), dbSNP rs2524243223, ClinGen allele CA2580063272.